The following is an entry in ClinVar:

NM_006269.2(RP1):c.6344T>G (p.Leu2115Ter)

Gene: RP1 (RP1 axonemal microtubule associated; plus strand). Cytogenetic location: 8q12.1.
Variant type: single nucleotide variant.
Coding change: c.6344T>G on transcript NM_006269.2 (MANE Select); coding-DNA position 6344, T replaced by G.
Protein change: p.Leu2115Ter; replaces leucine 2115 with a stop codon.
Molecular consequence: nonsense. On other transcripts: intron variant (1).
Genome position (GRCh38, 1-based): chr8:54,630,226, T>G. VCF-style: chr8-54630226-T-G. GRCh37 (hg19) VCF-style: chr8-55542786-T-G.
Other names: c.787+7938T>G (NM_001375654.1); short protein forms L2115*.
Identifiers: ClinVar variation 962877 (VCV000962877.9), dbSNP rs142315603, ClinGen allele CA4752229.
Genomic context (GRCh38, chr8:54,630,226, plus strand): 5'-ACTTCTTTGAAATGCTTGGTCAAGCTTGCCTCTTAGATATTTGCCAAGTTGAGACCTCCT[T>G]AAATATTAGCAACAGAAATATTTTAGAACTTTGTATGTTTGAGGGTGAAAATCTTTTCAT-3'

ClinVar aggregate classification (germline): Uncertain significance. Review status: criteria provided, multiple submitters, no conflicts (2 of 4 stars). 3 submissions from 3 submitters: Uncertain significance (3). Last evaluated 2026-02-20.

Conditions:
RP1-related disorder. Also called: RP1-related condition.

Allele frequency attached by ClinVar (database versions not stated): gnomAD 0.00001 and 0.00002; gnomAD exomes 0.00001 and 0.00002; TOPMed 0.00001; ExAC 0.00002; ESP Exome Variant Server 0.00008.
gnomAD v4.1: 12 of 1,613,572 alleles (0.00074%); highest among the groups gnomAD compares: Non-Finnish European, 0.00085%; no homozygotes.

Submissions (3):

PreventionGenetics, part of Exact Sciences
Classification: Uncertain significance for RP1-related condition. Last evaluated: 2026-02-20. Review status: criteria provided, single submitter. Criteria: ACMG Guidelines, 2015. Collection method: clinical testing. Allele origin: germline.
Comment: The RP1 c.6344T>G variant is predicted to result in premature protein termination (p.Leu2115*). This variant has been reported in the heterozygous state, along with variants in the WFS1 and NOD2 genes, in a family with congenital cataracts, retinitis pigmentosa, and Crohn's disease (Berry et al. 2023. PubMed ID: 37493686). This variant is present in 0.0031% of alleles in individuals of European (Non-Finnish) descent in gnomAD. This variant resides in the final exon of this gene, and it is unclear if the resulting mRNA would undergo nonsense-mediated decay. While many loss of function variants have been reported in the final exon of RP1, none have been reported downstream of this c.6344T>G variant. Although we suspect that this variant may be pathogenic for autosomal recessive disease, at this time, the clinical significance of this variant is uncertain due to the absence of conclusive functional and genetic evidence.

Blueprint Genetics
Classification: Uncertain significance. Last evaluated: 2024-07-17. Review status: criteria provided, single submitter. Criteria: ACMG Guidelines, 2015. Collection method: clinical testing. Allele origin: germline.

Labcorp Genetics (formerly Invitae), Labcorp
Classification: Uncertain significance. Last evaluated: 2023-02-20. Review status: criteria provided, single submitter. Criteria: Invitae Variant Classification Sherloc (09022015). Collection method: clinical testing. Allele origin: germline.
Comment: In summary, the available evidence is currently insufficient to determine the role of this variant in disease. Therefore, it has been classified as a Variant of Uncertain Significance. ClinVar contains an entry for this variant (Variation ID: 962877). This variant has not been reported in the literature in individuals affected with RP1-related conditions. This variant is present in population databases (rs142315603, gnomAD 0.003%). This sequence change creates a premature translational stop signal (p.Leu2115*) in the RP1 gene. While this is not anticipated to result in nonsense mediated decay, it is expected to disrupt the last 42 amino acid(s) of the RP1 protein.